The following is an entry in ClinVar:

NM_012293.3(PXDN):c.4437C>T (p.Pro1479=)

Gene: PXDN (peroxidasin; minus strand). Cytogenetic location: 2p25.3.
Variant type: single nucleotide variant.
Coding change: c.4437C>T on transcript NM_012293.3 (MANE Select); coding-DNA position 4437, C replaced by T.
Protein change: p.Pro1479=; no amino-acid change (proline 1479 retained).
Molecular consequence: synonymous variant.
Genome position (GRCh38, 1-based): chr2:1,634,207, G>A on the plus strand (C>T on the coding strand, the complement: PXDN is on the minus strand). VCF-style: chr2-1634207-G-A. GRCh37 (hg19) VCF-style: chr2-1637979-G-A.
Identifiers: ClinVar variation 790962 (VCV000790962.12), dbSNP rs144382074, ClinGen allele CA1512416.

ClinVar aggregate classification (germline): Benign/Likely benign. Review status: criteria provided, multiple submitters, no conflicts (2 of 4 stars). 4 submissions from 4 submitters: Benign (1); Likely benign (2). 1 of the submissions does not count toward it. Last evaluated 2025-07-13.

Conditions:
PXDN-related disorder. Also called: PXDN-related condition.
Anterior segment dysgenesis 7 (ASGD7). Also called: Anterior segment dysgenesis 7, with sclerocornea; SCLEROCORNEA WITH OTHER OCULAR ANOMALIES. Identifiers: Orphanet 289499, MedGen C3151617, MONDO:0010015, OMIM 269400.

Allele frequency attached by ClinVar (database versions not stated): gnomAD 0.00051; TOPMed 0.00106; ExAC 0.00179; 1000 Genomes Project 0.00240; 1000 Genomes Project 30x 0.00281.
gnomAD v4.1: 366 of 1,578,846 alleles (0.023%); highest among the groups gnomAD compares: East Asian, 0.71%; no homozygotes.

Submissions (4):

Labcorp Genetics (formerly Invitae), Labcorp
Classification: Benign for Anterior segment dysgenesis 7. Last evaluated: 2025-07-13. Review status: criteria provided, single submitter. Criteria: Invitae Variant Classification Sherloc (09022015). Collection method: clinical testing. Allele origin: germline.

Blueprint Genetics
Classification: Likely benign. Last evaluated: 2024-09-19. Review status: criteria provided, single submitter. Criteria: ACMG Guidelines, 2015. Collection method: clinical testing. Allele origin: germline.

GeneDx
Classification: Likely benign. Last evaluated: 2019-02-16. Review status: criteria provided, single submitter. Criteria: GeneDx Variant Classification Process June 2021. Collection method: clinical testing. Allele origin: germline. Affected: yes.

PreventionGenetics, part of Exact Sciences
Classification: Benign for PXDN-related condition. Last evaluated: 2019-07-25. Review status: no assertion criteria provided. Collection method: clinical testing. Allele origin: germline. Not counted in ClinVar's aggregate classification.
Comment: This variant is classified as benign based on ACMG/AMP sequence variant interpretation guidelines (Richards et al. 2015 PMID: 25741868, with internal and published modifications).